The following is an entry in ClinVar:

ClinVar aggregate classification (germline): Uncertain significance (1 of 4 stars; one submission).

gnomAD v4.1: 1 of 1,293,346 alleles (0.000077%); highest among the groups gnomAD compares: Non-Finnish European, 0.000099%; no homozygotes.

Submission:

Ambry Genetics
Classification: Uncertain significance. Last evaluated: 2024-12-22. Review status: criteria provided, single submitter. Criteria: Ambry Variant Classification Scheme 2023. Collection method: clinical testing. Allele origin: germline.
Comment: The p.R74W variant (also known as c.220C>T), located in coding exon 1 of the WNK2 gene, results from a C to T substitution at nucleotide position 220. The arginine at codon 74 is replaced by tryptophan, an amino acid with dissimilar properties. This amino acid position is conserved. In addition, this alteration is predicted to be tolerated by in silico analysis. Based on the available evidence, the clinical significance of this variant remains unclear.

NM_006648.4(WNK2):c.220C>T (p.Arg74Trp)

Gene: WNK2 (WNK lysine deficient protein kinase 2; plus strand). Cytogenetic location: 9q22.31.
Variant type: single nucleotide variant.
Coding change: c.220C>T on transcript NM_006648.4 (MANE Select); coding-DNA position 220, C replaced by T.
Protein change: p.Arg74Trp; replaces arginine 74 with tryptophan.
Molecular consequence: missense variant.
Genome position (GRCh38, 1-based): chr9:93,185,149, C>T. VCF-style: chr9-93185149-C-T. GRCh37 (hg19) VCF-style: chr9-95947431-C-T.
Other names: c.220C>T, p.Arg74Trp (NM_001282394.3); short protein forms R74W.
Identifiers: ClinVar variation 3816603 (VCV003816603.1).